The following is an entry in ClinVar:

ClinVar aggregate classification (germline): Uncertain significance. Review status: criteria provided, multiple submitters, no conflicts (2 of 4 stars). 8 submissions from 8 submitters: Uncertain significance (6). 2 of the submissions do not count toward it. Last evaluated 2026-07-01.

Conditions:
TGFB3-related disorder. Also called: TGFB3-related condition.
Rienhoff syndrome. Also called: LOEYS-DIETZ SYNDROME 5. Identifiers: MedGen C3810012, MONDO:0014262, OMIM 615582.
Arrhythmogenic right ventricular dysplasia 1. Identifiers: Orphanet 3403, MedGen C1862511, MONDO:0007152, OMIM 107970.

Allele frequency attached by ClinVar (database versions not stated): gnomAD 0.00004; TOPMed 0.00004; gnomAD exomes 0.00004; ExAC 0.00007.
gnomAD v4.1: 64 of 1,605,020 alleles (0.004%); highest among the groups gnomAD compares: African/African-American, 0.008%; no homozygotes.

Submissions (8):

CeGaT Center for Human Genetics Tuebingen
Classification: Uncertain significance. Last evaluated: 2026-07-01. Review status: criteria provided, single submitter. Criteria: CeGaT Center For Human Genetics Tuebingen Variant Classification Criteria Version 2. Collection method: clinical testing. Allele origin: germline. Affected: yes. Observed: 1 variant allele.

ARUP Laboratories, Molecular Genetics and Genomics, ARUP Laboratories
Classification: Uncertain significance. Last evaluated: 2024-09-17. Review status: criteria provided, single submitter. Criteria: ARUP Molecular Germline Variant Investigation Process 2024. Collection method: clinical testing. Allele origin: germline.
Comment: The TGFB3 c.-30G>A variant (rs770828281, ClinVar Variation ID: 12474), also known as c.-36G>A, is reported in the literature in multiple individuals in a family affected with arrhythmogenic right ventricular cardiomyopathy (Beffagna 2005). This variant is found in the general population with an overall allele frequency of 0.004% (10/249,028 alleles) in the Genome Aggregation Database (v2.1.1). This variant occurs in the 5' untranslated region and does not create a novel protein translation start codon. Due to limited information, the clinical significance of this variant is uncertain at this time. References: Beffagna G et al. Regulatory mutations in transforming growth factor-beta3 gene cause arrhythmogenic right ventricular cardiomyopathy type 1. Cardiovasc Res. 2005 Feb 1;65(2):366-73. PMID: 15639475.

Blueprint Genetics
Classification: Uncertain significance. Last evaluated: 2024-02-27. Review status: criteria provided, single submitter. Criteria: ACMG Guidelines, 2015. Collection method: clinical testing. Allele origin: germline.

GeneDx
Classification: Uncertain significance. Last evaluated: 2022-12-05. Review status: criteria provided, single submitter. Criteria: GeneDx Variant Classification Process June 2021. Collection method: clinical testing. Allele origin: germline. Affected: yes.
Comment: Nucleotide substitution has no predicted effect on splicing and is not conserved across species; This variant is associated with the following publications: (PMID: 12529708, 34426522, 31402444, 15639475)

Fulgent Genetics
Classification: Uncertain significance for Arrhythmogenic right ventricular dysplasia 1; Rienhoff syndrome. Last evaluated: 2021-09-06. Review status: criteria provided, single submitter. Criteria: ACMG Guidelines, 2015. Collection method: clinical testing. Allele origin: unknown.

Labcorp Genetics (formerly Invitae), Labcorp
Classification: Uncertain significance for Rienhoff syndrome. Last evaluated: 2021-08-12. Review status: criteria provided, single submitter. Criteria: Invitae Variant Classification Sherloc (09022015). Collection method: clinical testing. Allele origin: germline.
Comment: This variant occurs in a non-coding region of the TGFB3 gene. It does not change the encoded amino acid sequence of the TGFB3 protein. This variant is present in population databases (rs770828281, ExAC 0.02%). This variant has been observed in individual(s) with arrhythmogenic right ventricular cardiomyopathy (PMID: 15639475). This variant is also known as -36G>A. ClinVar contains an entry for this variant (Variation ID: 12474). Algorithms developed to predict the effect of variants on protein structure and function are not available or were not evaluated for this variant. Experimental studies are conflicting or provide insufficient evidence to determine the effect of this variant on TGFB3 function (PMID: 15639475). In summary, the available evidence is currently insufficient to determine the role of this variant in disease. Therefore, it has been classified as a Variant of Uncertain Significance.

PreventionGenetics, part of Exact Sciences
Classification: Uncertain significance for TGFB3-related condition. Last evaluated: 2024-05-29. Review status: no assertion criteria provided. Collection method: clinical testing. Allele origin: germline. Not counted in ClinVar's aggregate classification.
Comment: The TGFB3 c.-30G>A variant is located in the 5' untranslated region. This variant has been reported to segregate with disease in a large family with arrhythmogenic right ventricular dysplasia (Rampazzo et al. 2003. PubMed ID: 12529708; Beffagna et al. 2005. PubMed ID: 15639475). In vitro experimental studies suggest this variant impacts protein function (Beffagna et al. 2005. PubMed ID: 15639475). This variant is reported in 0.0064% of alleles in individuals of African descent in gnomAD. Although we suspect that this variant may be pathogenic, at this time, the clinical significance of this variant is uncertain due to the absence of conclusive functional and genetic evidence.

OMIM
Classification: Pathogenic for ARRHYTHMOGENIC RIGHT VENTRICULAR DYSPLASIA 1. Last evaluated: 2005-02-01. Review status: no assertion criteria provided. Collection method: literature only. Allele origin: germline. Not counted in ClinVar's aggregate classification.

Literature cited by the submitters: PubMed 15639475 (cited by Labcorp Genetics (formerly Invitae), Labcorp and OMIM); PubMed 12529708 (cited by OMIM).

NM_003239.5(TGFB3):c.-30G>A

Gene: TGFB3 (transforming growth factor beta 3; minus strand). Cytogenetic location: 14q24.3.
Variant type: single nucleotide variant.
Coding change: c.-30G>A on transcript NM_003239.5 (MANE Select); 30 bases upstream of the start codon, G replaced by A.
Molecular consequence: 5 prime UTR variant.
Genome position (GRCh38, 1-based): chr14:75,980,923, C>T on the plus strand (G>A on the coding strand, the complement: TGFB3 is on the minus strand). VCF-style: chr14-75980923-C-T. GRCh37 (hg19) VCF-style: chr14-76447266-C-T.
Other names: -36G-A, 5-PRIME UTR; c.-30G>A (NM_003239.4, NM_001329938.2, NM_001329939.2).
Identifiers: ClinVar variation 12474 (VCV000012474.12), dbSNP rs770828281, ClinGen allele CA256456.